The following is an entry in ClinVar:

NM_177965.4(CFAP418):c.*791G>T

Gene: CFAP418 (cilia and flagella associated protein 418; minus strand). Cytogenetic location: 8q22.1.
Variant type: single nucleotide variant.
Coding change: c.*791G>T on transcript NM_177965.4 (MANE Select); 791 bases downstream of the stop codon, G replaced by T.
Molecular consequence: 3 prime UTR variant.
Genome position (GRCh38, 1-based): chr8:95,246,826, C>A on the plus strand (G>T on the coding strand, the complement: CFAP418 is on the minus strand). VCF-style: chr8-95246826-C-A. GRCh37 (hg19) VCF-style: chr8-96259054-C-A.
Other names: c.*791G>T (NM_001363260.1).
Identifiers: ClinVar variation 915151 (VCV000915151.4), dbSNP rs140209136, ClinGen allele CA182088023.
Genomic context (GRCh38, chr8:95,246,826, plus strand): 5'-TGATCCTACCAGAGAAGTCCACAGGCTGCCTGAAAAATTATATTACTTGCTGTTTACTTC[C>A]CTTGATGGAGTTTTAGGCATTAAAGGATAGAAAGTACTTGGAAAATCCAACAATAACCTG-3'

ClinVar aggregate classification (germline): Conflicting classifications of pathogenicity. Review status: criteria provided, conflicting classifications (1 of 4 stars). 2 submissions from 1 submitter: Uncertain significance (1); Likely benign (1). Last evaluated 2018-01-13.

Conditions:
Cone-rod dystrophy 16 (CORD16). Identifiers: MedGen C3281045, MONDO:0013786, OMIM 614500.
Retinitis pigmentosa (RP). Identifiers: Orphanet 791, MedGen C0035334, MeSH D012174, MONDO:0019200, OMIM 268000. Inheritance: Autosomal dominant, autosomal recessive and X linked inheritance.

Allele frequency attached by ClinVar (database versions not stated): 1000 Genomes Project 30x 0.01093; 1000 Genomes Project 0.01138; TOPMed 0.01166; gnomAD 0.01656 and 0.01687.

Submissions (2):

Illumina Laboratory Services, Illumina
Classification: Uncertain significance for Retinitis pigmentosa. Last evaluated: 2018-01-13. Review status: criteria provided, single submitter. Criteria: ICSL Variant Classification Criteria 13 December 2019. Collection method: clinical testing. Allele origin: germline.

Illumina Laboratory Services, Illumina
Classification: Likely benign for Cone-rod dystrophy 16. Last evaluated: 2018-01-13. Review status: criteria provided, single submitter. Criteria: ICSL Variant Classification Criteria 13 December 2019. Collection method: clinical testing. Allele origin: germline.
Comment: This variant was observed in the ICSL laboratory as part of a predisposition screen in an ostensibly healthy population. It had not been previously curated by ICSL or reported in the Human Gene Mutation Database (HGMD: prior to June 1st, 2018), and was therefore a candidate for classification through an automated scoring system. Utilizing variant allele frequency, disease prevalence and penetrance estimates, and inheritance mode, an automated score was calculated to assess if this variant is too frequent to cause the disease. Based on the score and internal cut-off values, a variant classified as likely benign is not then subjected to further curation. The score for this variant resulted in a classification of likely benign for this disease.